The following is an entry in ClinVar:

NM_003024.3(ITSN1):c.517G>C (p.Ala173Pro)

Gene: ITSN1 (intersectin 1; plus strand). Cytogenetic location: 21q22.11.
Variant type: single nucleotide variant.
Coding change: c.517G>C on transcript NM_003024.3 (MANE Select); coding-DNA position 517, G replaced by C.
Protein change: p.Ala173Pro; replaces alanine 173 with proline.
Molecular consequence: missense variant.
Genome position (GRCh38, 1-based): chr21:33,750,313, G>C. VCF-style: chr21-33750313-G-C. GRCh37 (hg19) VCF-style: chr21-35122618-G-C.
Other names: c.517G>C, p.Ala173Pro (NM_001001132.2, NM_001331008.2, NM_001331009.2 and 2 more transcripts); c.406G>C, p.Ala136Pro (NM_001331012.2); short protein forms A136P, A173P.
Identifiers: ClinVar variation 3723793 (VCV003723793.2).

ClinVar aggregate classification (germline): Uncertain significance (1 of 4 stars; one submission).

Submission:

Labcorp Genetics (formerly Invitae), Labcorp
Classification: Uncertain significance. Last evaluated: 2024-10-25. Review status: criteria provided, single submitter. Criteria: Invitae Variant Classification Sherloc (09022015). Collection method: clinical testing. Allele origin: germline.
Comment: This sequence change replaces alanine, which is neutral and non-polar, with proline, which is neutral and non-polar, at codon 173 of the ITSN1 protein (p.Ala173Pro). This variant is not present in population databases (gnomAD no frequency). This variant has not been reported in the literature in individuals affected with ITSN1-related conditions. Experimental studies and prediction algorithms are not available or were not evaluated, and the functional significance of this variant is currently unknown. In summary, the available evidence is currently insufficient to determine the role of this variant in disease. Therefore, it has been classified as a Variant of Uncertain Significance.